The following is an entry in ClinVar:

NM_001130009.3(GEN1):c.2611A>T (p.Thr871Ser)

Gene: GEN1 (GEN1 structure-specific endonuclease; plus strand). Cytogenetic location: 2p24.2.
Variant type: single nucleotide variant.
Coding change: c.2611A>T on transcript NM_001130009.3 (MANE Select); coding-DNA position 2611, A replaced by T.
Protein change: p.Thr871Ser; replaces threonine 871 with serine.
Molecular consequence: missense variant.
Genome position (GRCh38, 1-based): chr2:17,781,823, A>T. VCF-style: chr2-17781823-A-T. GRCh37 (hg19) VCF-style: chr2-17963090-A-T.
Other names: c.2611A>T (NM_001130009.1); c.2611A>T, p.Thr871Ser (NM_182625.5); short protein forms T871S.
Identifiers: ClinVar variation 2954798 (VCV002954798.4), dbSNP rs891315782, ClinGen allele CA43361377.

ClinVar aggregate classification (germline): Uncertain significance. Review status: criteria provided, multiple submitters, no conflicts (2 of 4 stars). 2 submissions from 2 submitters: Uncertain significance (2). Last evaluated 2024-12-19.

Allele frequency attached by ClinVar (database versions not stated): TOPMed below 0.00001; gnomAD 0.00001; gnomAD exomes 0.00001.
gnomAD v4.1: 9 of 1,612,528 alleles (0.00056%); highest among the groups gnomAD compares: Non-Finnish European, 0.00076%; no homozygotes.

Submissions (2):

Ambry Genetics
Classification: Uncertain significance. Last evaluated: 2024-12-19. Review status: criteria provided, single submitter. Criteria: Ambry Variant Classification Scheme 2023. Collection method: clinical testing. Allele origin: germline.
Comment: The p.T871S variant (also known as c.2611A>T), located in coding exon 13 of the GEN1 gene, results from an A to T substitution at nucleotide position 2611. The threonine at codon 871 is replaced by serine, an amino acid with similar properties. This amino acid position is conserved. In addition, this alteration is predicted to be tolerated by in silico analysis. Based on the available evidence, the clinical significance of this variant remains unclear.

Labcorp Genetics (formerly Invitae), Labcorp
Classification: Uncertain significance. Last evaluated: 2023-07-17. Review status: criteria provided, single submitter. Criteria: Invitae Variant Classification Sherloc (09022015). Collection method: clinical testing. Allele origin: germline.
Comment: This sequence change replaces threonine, which is neutral and polar, with serine, which is neutral and polar, at codon 871 of the GEN1 protein (p.Thr871Ser). In summary, the available evidence is currently insufficient to determine the role of this variant in disease. Therefore, it has been classified as a Variant of Uncertain Significance. Algorithms developed to predict the effect of missense changes on protein structure and function output the following: SIFT: "Not Available"; PolyPhen-2: "Benign"; Align-GVGD: "Not Available". The serine amino acid residue is found in multiple mammalian species, which suggests that this missense change does not adversely affect protein function. This variant has not been reported in the literature in individuals affected with GEN1-related conditions. This variant is not present in population databases (gnomAD no frequency).